The following is an entry in ClinVar:

NM_138387.4(G6PC3):c.376A>G (p.Met126Val)

Gene: G6PC3 (glucose-6-phosphatase catalytic subunit 3; plus strand). Cytogenetic location: 17q21.31.
Variant type: single nucleotide variant.
Coding change: c.376A>G on transcript NM_138387.4 (MANE Select); coding-DNA position 376, A replaced by G.
Protein change: p.Met126Val; replaces methionine 126 with valine.
Molecular consequence: missense variant.
Genome position (GRCh38, 1-based): chr17:44,074,730, A>G. VCF-style: chr17-44074730-A-G. GRCh37 (hg19) VCF-style: chr17-42152098-A-G.
Other names: c.376A>G, p.Met126Val (NM_001319945.2); c.31A>G, p.Met11Val (NM_001384165.1, NM_001384166.1, NM_001384167.1 and 1 more transcripts); short protein forms M126V, M11V.
Identifiers: ClinVar variation 663027 (VCV000663027.9), dbSNP rs1597908497, ClinGen allele CA399726348.
Genomic context (GRCh38, chr17:44,074,730, plus strand): 5'-TTGCTGGCAGGCAGCCCTTCTGGACACTGCATGATCACAGGAGCAGCCCTCTGGCCCATA[A>G]TGACGGCCCTGTCTTCGCAGGTGGCCACTCGGGCCCGCAGGTATACCCTTGGCATTGCCC-3'
Protein context (NP_612396.1, residues 116-136): MITGAALWPI[Met126Val]TALSSQVATR

ClinVar aggregate classification (germline): Uncertain significance. Review status: criteria provided, multiple submitters, no conflicts (2 of 4 stars). 2 submissions from 2 submitters: Uncertain significance (2). Last evaluated 2025-04-12.

Conditions:
Inborn genetic diseases. Identifiers: MedGen C0950123, MeSH D030342.
Autosomal recessive severe congenital neutropenia due to G6PC3 deficiency. Also called: NEUTROPENIA, SEVERE CONGENITAL, 4, AUTOSOMAL RECESSIVE; G6PC3 Deficiency. Identifiers: Orphanet 331176, MedGen C2751630, MONDO:0012930, OMIM 612541.

Allele frequency attached by ClinVar (database versions not stated): gnomAD exomes below 0.00001.

Submissions (2):

Ambry Genetics
Classification: Uncertain significance for Inborn genetic diseases. Last evaluated: 2025-04-12. Review status: criteria provided, single submitter. Criteria: Ambry Variant Classification Scheme 2023. Collection method: clinical testing. Allele origin: germline.
Comment: The p.M126V variant (also known as c.376A>G), located in coding exon 3 of the G6PC3 gene, results from an A to G substitution at nucleotide position 376. The methionine at codon 126 is replaced by valine, an amino acid with highly similar properties. This amino acid position is conserved. In addition, this alteration is predicted to be tolerated by in silico analysis. Based on the available evidence, the clinical significance of this variant remains unclear.

Labcorp Genetics (formerly Invitae), Labcorp
Classification: Uncertain significance for Autosomal recessive severe congenital neutropenia due to G6PC3 deficiency. Last evaluated: 2018-09-02. Review status: criteria provided, single submitter. Criteria: Invitae Variant Classification Sherloc (09022015). Collection method: clinical testing. Allele origin: germline.
Comment: Algorithms developed to predict the effect of sequence changes on RNA splicing suggest that this variant may create or strengthen a splice site, but this prediction has not been confirmed by published transcriptional studies. This sequence change replaces methionine with valine at codon 126 of the G6PC3 protein (p.Met126Val). The methionine residue is moderately conserved and there is a small physicochemical difference between methionine and valine. This variant is not present in population databases (ExAC no frequency). This variant has not been reported in the literature in individuals with G6PC3-related disease. Experimental studies have shown that this missense change does not affect G6PC3 protein expression or activity (PMID: 27611587). In summary, the available evidence is currently insufficient to determine the role of this variant in disease. Therefore, it has been classified as a Variant of Uncertain Significance.

Literature cited by the submitters: PubMed 27611587 (cited by Labcorp Genetics (formerly Invitae), Labcorp).